The following is an entry in ClinVar:

NM_001330588.2(TPP2):c.2591A>G (p.Lys864Arg)

Gene: TPP2 (tripeptidyl peptidase 2; plus strand). Cytogenetic location: 13q33.1.
Variant type: single nucleotide variant.
Coding change: c.2591A>G on transcript NM_001330588.2 (MANE Select); coding-DNA position 2591, A replaced by G.
Protein change: p.Lys864Arg; replaces lysine 864 with arginine.
Molecular consequence: missense variant. On other transcripts: non-coding transcript variant (1).
Genome position (GRCh38, 1-based): chr13:102,647,307, A>G. VCF-style: chr13-102647307-A-G. GRCh37 (hg19) VCF-style: chr13-103299657-A-G.
Other names: c.2591A>G, p.Lys864Arg (NM_001367947.1, NM_003291.4, LRG_1341t1); short protein forms K864R.
Identifiers: ClinVar variation 652897 (VCV000652897.12), dbSNP rs770781368, ClinGen allele CA7038043.

ClinVar aggregate classification (germline): Uncertain significance. Review status: criteria provided, multiple submitters, no conflicts (2 of 4 stars). 4 submissions from 4 submitters: Uncertain significance (2). 2 of the submissions do not count toward it. Last evaluated 2025-11-12.

Conditions:
Evans syndrome, immunodeficiency, and premature immunosenescence associated with tripeptidyl-peptidase II deficiency. Identifiers: MedGen CN231723. Disease mechanism: loss of function.

Allele frequency attached by ClinVar (database versions not stated): TOPMed 0.00007; gnomAD 0.00011 and 0.00012; ExAC 0.00012; gnomAD exomes 0.00015.
gnomAD v4.1: 232 of 1,613,858 alleles (0.014%); highest among the groups gnomAD compares: Non-Finnish European, 0.015%; no homozygotes.

Submissions (4):

Labcorp Genetics (formerly Invitae), Labcorp
Classification: Uncertain significance for Evans syndrome, immunodeficiency, and premature immunosenescence associated with tripeptidyl-peptidase II deficiency. Last evaluated: 2025-11-12. Review status: criteria provided, single submitter. Criteria: Invitae Variant Classification Sherloc (09022015). Collection method: clinical testing. Allele origin: germline.
Comment: This sequence change replaces lysine, which is basic and polar, with arginine, which is basic and polar, at codon 864 of the TPP2 protein (p.Lys864Arg). This variant is present in population databases (rs770781368, gnomAD 0.09%). This missense change has been observed in individual(s) with multiple myeloma (PMID: 33583942). ClinVar contains an entry for this variant (Variation ID: 652897). An algorithm developed to predict the effect of missense changes on protein structure and function (PolyPhen-2) suggests that this variant is likely to be disruptive. In summary, the available evidence is currently insufficient to determine the role of this variant in disease. Therefore, it has been classified as a Variant of Uncertain Significance.

Blueprint Genetics
Classification: Uncertain significance. Last evaluated: 2024-05-07. Review status: criteria provided, single submitter. Criteria: ACMG Guidelines, 2015. Collection method: clinical testing. Allele origin: germline.

Clinical Genetics DNA and cytogenetics Diagnostics Lab, Erasmus MC, Erasmus Medical Center
Classification: Uncertain significance. Review status: no assertion criteria provided. Collection method: clinical testing. Allele origin: germline. Affected: yes. Study: VKGL Data-share Consensus. Not counted in ClinVar's aggregate classification.

Genome Diagnostics Laboratory, University Medical Center Utrecht
Classification: Uncertain significance. Review status: no assertion criteria provided. Collection method: clinical testing. Allele origin: germline. Affected: yes. Study: VKGL Data-share Consensus. Not counted in ClinVar's aggregate classification.

Literature cited by the submitters: PubMed 33583942 (cited by Labcorp Genetics (formerly Invitae), Labcorp).